The following is an entry in ClinVar:

ClinVar aggregate classification (germline): Pathogenic. Review status: criteria provided, multiple submitters, no conflicts (2 of 4 stars). 2 submissions from 2 submitters: Pathogenic (2). Last evaluated 2024-06-12.

Conditions:
Fanconi anemia (FA). Also called: Fanconi's anemia. Identifiers: Orphanet 84, MedGen C0015625, MeSH D005199, MONDO:0019391.
Fanconi anemia complementation group A (FANCA). Also called: FANCA-Related Fanconi Anemia; Fanconi anemia, group A. Identifiers: Orphanet 84, MedGen C3469521, MONDO:0009215, OMIM 227650.

Submissions (2):

Myriad Genetics, Inc.
Classification: Pathogenic for Fanconi anemia complementation group A. Last evaluated: 2024-06-12. Review status: criteria provided, single submitter. Criteria: Myriad Autosomal Dominant, Autosomal Recessive and X-Linked Classification Criteria (2023). Collection method: clinical testing. Allele origin: unknown.
Comment: NM_000135.2(FANCA):c.279delT(F93Lfs*2) is expected to be pathogenic in the context of Fanconi anemia complementation group A. This variant is predicted to lead to an abnormal or absent protein product due to the creation of a premature termination codon in FANCA, a gene where loss-of-function variants are known to be pathogenic. Please note: this variant was assessed in the context of healthy population screening.

Labcorp Genetics (formerly Invitae), Labcorp
Classification: Pathogenic for Fanconi anemia. Last evaluated: 2023-07-16. Review status: criteria provided, single submitter. Criteria: Invitae Variant Classification Sherloc (09022015). Collection method: clinical testing. Allele origin: germline.
Comment: For these reasons, this variant has been classified as Pathogenic. This variant has not been reported in the literature in individuals affected with FANCA-related conditions. This variant is not present in population databases (gnomAD no frequency). This sequence change creates a premature translational stop signal (p.Phe93Leufs*2) in the FANCA gene. It is expected to result in an absent or disrupted protein product. Loss-of-function variants in FANCA are known to be pathogenic (PMID: 19367192).

Literature cited by the submitters: PubMed 19367192 (cited by Labcorp Genetics (formerly Invitae), Labcorp).

NM_000135.4(FANCA):c.279del (p.Phe93fs)

Gene: FANCA (FA complementation group A; minus strand). Cytogenetic location: 16q24.3.
Variant type: Deletion.
Coding change: c.279del on transcript NM_000135.4 (MANE Select); coding-DNA position 279, one base deleted (T; older notation c.279delT).
Protein change: p.Phe93fs; shifts the reading frame from phenylalanine 93.
Molecular consequence: frameshift variant.
Genome position (GRCh38, 1-based): chr16:89,814,524, A deleted on the plus strand (T on the coding strand, the reverse complement: FANCA is on the minus strand); the first of 3 consecutive A bases (chr16:89,814,524-89,814,526); deleting any one gives the same sequence. VCF-style (leftmost placement, unchanged base first): chr16-89814523-TA-T. GRCh37 (hg19) VCF-style: chr16-89880931-TA-T.
Other names: c.279del, p.Phe93fs (NM_001018112.3, NM_001286167.3, NM_001351830.2); short protein forms F93fs.
Identifiers: ClinVar variation 2743714 (VCV002743714.4), dbSNP rs2544382059, ClinGen allele CA2697556036.